The following is an entry in ClinVar:

NM_002972.4(SBF1):c.5672C>T (p.Ser1891Leu)

Gene: SBF1 (SET binding factor 1; minus strand). Cytogenetic location: 22q13.33.
Variant type: single nucleotide variant.
Coding change: c.5672C>T on transcript NM_002972.4 (MANE Select); coding-DNA position 5672, C replaced by T.
Protein change: p.Ser1891Leu; replaces serine 1891 with leucine.
Molecular consequence: missense variant.
Genome position (GRCh38, 1-based): chr22:50,447,152, G>A on the plus strand (C>T on the coding strand, the complement: SBF1 is on the minus strand). VCF-style: chr22-50447152-G-A. GRCh37 (hg19) VCF-style: chr22-50885581-G-A.
Other names: c.5597C>T, p.Ser1866Leu (NM_001365819.1); c.5672C>T (NM_002972.2); short protein forms S1866L, S1891L.
Identifiers: ClinVar variation 1426884 (VCV001426884.5), dbSNP rs375565089, ClinGen allele CA10315727.

ClinVar aggregate classification (germline): Uncertain significance. Review status: criteria provided, multiple submitters, no conflicts (2 of 4 stars). 2 submissions from 2 submitters: Uncertain significance (2). Last evaluated 2025-01-20.

Allele frequency attached by ClinVar (database versions not stated): gnomAD exomes 0.00006 and 0.00008; ExAC 0.00007; ESP Exome Variant Server 0.00008; gnomAD 0.00017 and 0.00019; 1000 Genomes Project 30x 0.00031; 1000 Genomes Project 0.00040; TOPMed 0.00044.
gnomAD v4.1: 143 of 1,612,306 alleles (0.0089%); highest among the groups gnomAD compares: East Asian, 0.078%; no homozygotes.

Submissions (2):

Labcorp Genetics (formerly Invitae), Labcorp
Classification: Uncertain significance. Last evaluated: 2025-01-20. Review status: criteria provided, single submitter. Criteria: Invitae Variant Classification Sherloc (09022015). Collection method: clinical testing. Allele origin: germline.
Comment: This sequence change replaces serine, which is neutral and polar, with leucine, which is neutral and non-polar, at codon 1891 of the SBF1 protein (p.Ser1891Leu). This variant is present in population databases (rs375565089, gnomAD 0.02%). This variant has not been reported in the literature in individuals affected with SBF1-related conditions. ClinVar contains an entry for this variant (Variation ID: 1426884). Invitae Evidence Modeling of protein sequence and biophysical properties (such as structural, functional, and spatial information, amino acid conservation, physicochemical variation, residue mobility, and thermodynamic stability) indicates that this missense variant is expected to disrupt SBF1 protein function with a positive predictive value of 80%. In summary, the available evidence is currently insufficient to determine the role of this variant in disease. Therefore, it has been classified as a Variant of Uncertain Significance.

Ambry Genetics
Classification: Uncertain significance. Last evaluated: 2023-12-15. Review status: criteria provided, single submitter. Criteria: Ambry Variant Classification Scheme 2023. Collection method: clinical testing. Allele origin: germline.